The following is an entry in ClinVar:

ClinVar aggregate classification (germline): Likely benign. Review status: criteria provided, single submitter (1 of 4 stars). 2 submissions from 2 submitters: Likely benign (1). 1 of the submissions does not count toward it. Last evaluated 2020-01-31.

Conditions:
CELSR3-related disorder. Also called: CELSR3-related condition.

Allele frequency attached by ClinVar (database versions not stated): gnomAD exomes 0.00004; ExAC 0.00013; 1000 Genomes Project 0.00040; gnomAD 0.00048; TOPMed 0.00051; 1000 Genomes Project 30x 0.00062; ESP Exome Variant Server 0.00069.
gnomAD v4.1: 134 of 1,612,252 alleles (0.0083%); highest among the groups gnomAD compares: African/African-American, 0.16%; no homozygotes.

Submissions (2):

Blueprint Genetics
Classification: Likely benign. Last evaluated: 2020-01-31. Review status: criteria provided, single submitter. Criteria: ACMG Guidelines, 2015. Collection method: clinical testing. Allele origin: germline.

PreventionGenetics, part of Exact Sciences
Classification: Likely benign for CELSR3-related condition. Last evaluated: 2019-11-14. Review status: no assertion criteria provided. Collection method: clinical testing. Allele origin: germline. Not counted in ClinVar's aggregate classification.
Comment: This variant is classified as likely benign based on ACMG/AMP sequence variant interpretation guidelines (Richards et al. 2015 PMID: 25741868, with internal and published modifications).

NM_001407.3(CELSR3):c.6879A>C (p.Gly2293=)

Gene: CELSR3 (cadherin EGF LAG seven-pass G-type receptor 3; minus strand). Cytogenetic location: 3p21.31.
Variant type: single nucleotide variant.
Coding change: c.6879A>C on transcript NM_001407.3 (MANE Select); coding-DNA position 6879, A replaced by C.
Protein change: p.Gly2293=; no amino-acid change (glycine 2293 retained).
Molecular consequence: synonymous variant.
Genome position (GRCh38, 1-based): chr3:48,648,360, T>G on the plus strand (A>C on the coding strand, the complement: CELSR3 is on the minus strand). VCF-style: chr3-48648360-T-G. GRCh37 (hg19) VCF-style: chr3-48685793-T-G.
Identifiers: ClinVar variation 3038911 (VCV003038911.3), dbSNP rs144222226, ClinGen allele CA2384365.
Genomic context (GRCh38, chr3:48,648,360, plus strand): 5'-GTATGTGAGTTCCATATTCCTTGCGAGTGTGGCTGCATACTCCTCCAGGTGCCTCACCAG[T>G]CCCGCGCTGCCTGGGGAGCCCCCAGGGGCCCGCTGCCCCAGCGCCGCCCACAAGTCCCCT-3'
Protein context (NP_001398.2, residues 2283-2303): RAPGGSPGSA[Gly2293=]LVRHLEEYAA